The following is an entry in ClinVar:

NM_024408.4(NOTCH2):c.6911T>C (p.Ile2304Thr)

Gene: NOTCH2 (notch receptor 2; minus strand). Cytogenetic location: 1p12.
Variant type: single nucleotide variant.
Coding change: c.6911T>C on transcript NM_024408.4 (MANE Select); coding-DNA position 6911, T replaced by C.
Protein change: p.Ile2304Thr; replaces isoleucine 2304 with threonine.
Molecular consequence: missense variant.
Genome position (GRCh38, 1-based): chr1:119,915,811, A>G on the plus strand (T>C on the coding strand, the complement: NOTCH2 is on the minus strand). VCF-style: chr1-119915811-A-G. GRCh37 (hg19) VCF-style: chr1-120458434-A-G.
Other names: c.6911T>C (NM_024408.3); short protein forms I2304T.
Identifiers: ClinVar variation 1436118 (VCV001436118.11), dbSNP rs1370844431, ClinGen allele CA341874828.
Genomic context (GRCh38, chr1:119,915,811, plus strand): 5'-GGCTGGGGAGCCCCCGCTGGTTGGGCAATACTGCCTTTAGGGATGAGCTGGAAAGTCACA[A>G]TGGGGGGCAAGGGCTCCCGAGGGGTGGTTATGTGCTTCCCTTCAGGTGGCCTGCTCTGGG-3'
Protein context (NP_077719.2, residues 2294-2314): ITTPREPLPP[Ile2304Thr]VTFQLIPKGS

ClinVar aggregate classification (germline): Uncertain significance. Review status: criteria provided, multiple submitters, no conflicts (2 of 4 stars). 3 submissions from 3 submitters: Uncertain significance (3). Last evaluated 2024-03-02.

Conditions:
Inborn genetic diseases. Identifiers: MedGen C0950123, MeSH D030342.
Hajdu-Cheney syndrome (HJCYS). Also called: SERPENTINE FIBULA-POLYCYSTIC KIDNEY SYNDROME; ACROOSTEOLYSIS WITH OSTEOPOROSIS AND CHANGES IN SKULL AND MANDIBLE; Acroosteolysis dominant type. Identifiers: Orphanet 955, MedGen C0917715, MONDO:0007057, OMIM 102500.
Alagille syndrome due to a NOTCH2 point mutation. Also called: Alagille syndrome 2. Identifiers: Orphanet 261629, Orphanet 52, MedGen C1857761, MONDO:0012439, OMIM 610205.

Allele frequency attached by ClinVar (database versions not stated): gnomAD exomes below 0.00001; TOPMed below 0.00001; gnomAD 0.00001.
gnomAD v4.1: 5 of 1,613,344 alleles (0.00031%); highest among the groups gnomAD compares: African/African-American, 0.0053%; no homozygotes.

Submissions (3):

Fulgent Genetics
Classification: Uncertain significance for Hajdu-Cheney syndrome; Alagille syndrome due to a NOTCH2 point mutation. Last evaluated: 2024-03-02. Review status: criteria provided, single submitter. Criteria: ACMG Guidelines, 2015. Collection method: clinical testing. Allele origin: germline.

Labcorp Genetics (formerly Invitae), Labcorp
Classification: Uncertain significance for Hajdu-Cheney syndrome. Last evaluated: 2022-10-17. Review status: criteria provided, single submitter. Criteria: Invitae Variant Classification Sherloc (09022015). Collection method: clinical testing. Allele origin: germline.
Comment: In summary, the available evidence is currently insufficient to determine the role of this variant in disease. Therefore, it has been classified as a Variant of Uncertain Significance. Advanced modeling of protein sequence and biophysical properties (such as structural, functional, and spatial information, amino acid conservation, physicochemical variation, residue mobility, and thermodynamic stability) performed at Invitae indicates that this missense variant is not expected to disrupt NOTCH2 protein function. ClinVar contains an entry for this variant (Variation ID: 1436118). This variant has not been reported in the literature in individuals affected with NOTCH2-related conditions. This variant is present in population databases (no rsID available, gnomAD 0.02%). This sequence change replaces isoleucine, which is neutral and non-polar, with threonine, which is neutral and polar, at codon 2304 of the NOTCH2 protein (p.Ile2304Thr).

Ambry Genetics
Classification: Uncertain significance for Inborn genetic diseases. Last evaluated: 2022-01-05. Review status: criteria provided, single submitter. Criteria: Ambry Variant Classification Scheme 2023. Collection method: clinical testing. Allele origin: germline.